The following is an entry in ClinVar:

ClinVar aggregate classification (germline): Likely benign (0 of 4 stars; one submission).

Conditions:
PKD1L1-related disorder. Also called: PKD1L1-related condition.

Allele frequency attached by ClinVar (database versions not stated): gnomAD 0.00005; TOPMed 0.00007.
gnomAD v4.1: 8 of 1,614,008 alleles (0.0005%); highest among the groups gnomAD compares: African/African-American, 0.0067%; no homozygotes.

Submission:

PreventionGenetics, part of Exact Sciences
Classification: Likely benign for PKD1L1-related condition. Last evaluated: 2022-07-20. Review status: no assertion criteria provided. Collection method: clinical testing. Allele origin: germline.
Comment: This variant is classified as likely benign based on ACMG/AMP sequence variant interpretation guidelines (Richards et al. 2015 PMID: 25741868, with internal and published modifications).

NM_138295.5(PKD1L1):c.6495G>A (p.Val2165=)

Gene: PKD1L1 (polycystin 1 like 1, transient receptor potential channel interacting; minus strand). Cytogenetic location: 7p12.3.
Variant type: single nucleotide variant.
Coding change: c.6495G>A on transcript NM_138295.5 (MANE Select); coding-DNA position 6495, G replaced by A.
Protein change: p.Val2165=; no amino-acid change (valine 2165 retained).
Molecular consequence: synonymous variant.
Genome position (GRCh38, 1-based): chr7:47,830,103, C>T on the plus strand (G>A on the coding strand, the complement: PKD1L1 is on the minus strand). VCF-style: chr7-47830103-C-T. GRCh37 (hg19) VCF-style: chr7-47869701-C-T.
Identifiers: ClinVar variation 3047533 (VCV003047533.2), dbSNP rs977902445, ClinGen allele CA158097766.
Genomic context (GRCh38, chr7:47,830,103, plus strand): 5'-AAGTGGCTGGGTGATGAAAATACAGCAGACCACGGAGAGGGACAGCAGGTGCAGCCACTG[C>T]ACACATTGCTCCTGGCCAAACCTGCCCCCAGGGAAAGTGCAGTGGTCAGCCCCCTCTAAG-3'
Protein context (NP_612152.1, residues 2155-2175): LAYRFGQEQC[Val2165=]QWLHLLSLSV